The following is an entry in ClinVar:

ClinVar aggregate classification (germline): Uncertain significance (1 of 4 stars; one submission).

Submission:

Women's Health and Genetics/Laboratory Corporation of America, LabCorp
Classification: Uncertain significance. Last evaluated: 2025-10-14. Review status: criteria provided, single submitter. Criteria: LabCorp Variant Classification Summary - May 2015. Collection method: clinical testing. Allele origin: germline.
Comment: Variant summary: BRIP1 c.1434C>G (p.His478Gln) results in a non-conservative amino acid change in the encoded protein sequence. Algorithms developed to predict the effect of missense changes on protein structure and function are either unavailable or do not agree on the potential impact of this missense change. The variant was absent in 244232 control chromosomes. The available data on variant occurrences in the general population are insufficient to allow any conclusion about variant significance. To our knowledge, no occurrence of c.1434C>G in individuals affected with BRIP1-related conditions and no experimental evidence demonstrating its impact on protein function have been reported. No submitters have cited clinical-significance assessments for this variant to ClinVar. Based on the evidence outlined above, the variant was classified as uncertain significance.

NM_032043.3(BRIP1):c.1434C>G (p.His478Gln)

Gene: BRIP1 (BRCA1 interacting DNA helicase 1; minus strand). Cytogenetic location: 17q23.2.
Variant type: single nucleotide variant.
Coding change: c.1434C>G on transcript NM_032043.3 (MANE Select); coding-DNA position 1434, C replaced by G.
Protein change: p.His478Gln; replaces histidine 478 with glutamine.
Molecular consequence: missense variant.
Genome position (GRCh38, 1-based): chr17:61,793,636, G>C on the plus strand (C>G on the coding strand, the complement: BRIP1 is on the minus strand). VCF-style: chr17-61793636-G-C. GRCh37 (hg19) VCF-style: chr17-59870997-G-C.
Other names: short protein forms H478Q.
Identifiers: ClinVar variation 4687303 (VCV004687303.1).